The following is an entry in ClinVar:

ClinVar aggregate classification (germline): Likely benign. Review status: criteria provided, multiple submitters, no conflicts (2 of 4 stars). 5 submissions from 5 submitters: Likely benign (5). Last evaluated 2025-12-02.

Conditions:
Malignant hyperthermia, susceptibility to, 1 (MHS1). Also called: Anesthesia related hyperthermia; Malignant hyperpyrexia; Fulminating hyperpyrexia; Pharmacogenic myopathy; Malignant hyperthermia suceptibility 1; RYR1-Related Malignant Hyperthermia Susceptibility. Identifiers: Orphanet 423, MedGen C2930980, MONDO:0007783, OMIM 145600.
RYR1-related disorder. Also called: RYR1-related condition; RYR1-related disorders. Identifiers: MedGen CN239331.

Allele frequency attached by ClinVar (database versions not stated): gnomAD 0.00001 and 0.00003; TOPMed 0.00002; gnomAD exomes 0.00006; ExAC 0.00009; 1000 Genomes Project 30x 0.00031.
gnomAD v4.1: 89 of 1,611,602 alleles (0.0055%); highest among the groups gnomAD compares: South Asian, 0.022%; no homozygotes.

Submissions (5):

Labcorp Genetics (formerly Invitae), Labcorp
Classification: Likely benign for RYR1-related disorder. Last evaluated: 2025-12-02. Review status: criteria provided, single submitter. Criteria: Invitae Variant Classification Sherloc (09022015). Collection method: clinical testing. Allele origin: germline.

Blueprint Genetics
Classification: Likely benign. Last evaluated: 2024-09-24. Review status: criteria provided, single submitter. Criteria: ACMG Guidelines, 2015. Collection method: clinical testing. Allele origin: germline.

All of Us Research Program, National Institutes of Health
Classification: Likely benign for Malignant hyperthermia, susceptibility to, 1. Last evaluated: 2023-12-13. Review status: criteria provided, single submitter. Criteria: ACMG Guidelines, 2015. Collection method: clinical testing. Allele origin: germline. Inheritance: Autosomal dominant inheritance. Observed: 8 variant alleles, 8 heterozygotes.
Comment: This study involves interpretation of variants in research participants for the purpose of population health screening. Participant phenotype was not available at the time of variant classification. Additional details can be found in publication PMID: 35346344, PMCID: PMC8962531

Color Diagnostics, LLC DBA Color Health
Classification: Likely benign for Malignant hyperthermia, susceptibility to, 1. Last evaluated: 2022-11-06. Review status: criteria provided, single submitter. Criteria: ACMG Guidelines, 2015. Collection method: clinical testing. Allele origin: germline.

PreventionGenetics, part of Exact Sciences
Classification: Likely benign. Last evaluated: 2017-01-23. Review status: criteria provided, single submitter. Criteria: ACMG Guidelines, 2015. Collection method: clinical testing. Allele origin: germline.

NM_000540.3(RYR1):c.10155G>A (p.Ala3385=)

Gene: RYR1 (ryanodine receptor 1; plus strand). Cytogenetic location: 19q13.2.
Variant type: single nucleotide variant.
Coding change: c.10155G>A on transcript NM_000540.3 (MANE Select); coding-DNA position 10155, G replaced by A.
Protein change: p.Ala3385=; no amino-acid change (alanine 3385 retained).
Molecular consequence: synonymous variant.
Genome position (GRCh38, 1-based): chr19:38,519,350, G>A. VCF-style: chr19-38519350-G-A. GRCh37 (hg19) VCF-style: chr19-39009990-G-A.
Other names: c.10155G>A, p.Ala3385= (NM_001042723.2).
Identifiers: ClinVar variation 590360 (VCV000590360.15), dbSNP rs746491996, ClinGen allele CA052458.
Genomic context (GRCh38, chr19:38,519,350, plus strand): 5'-GCGCAAGAGGGCAGGGAAGGTGGTGTCCGAGGAGGAGCAGCTGCGCCTGGAGGCCAAGGC[G>A]GAGGCCCAGGAGGGCGAGCTGCTGGTGCGGGACGAGTTCTCTGTGCTCTGCCGGGACCTC-3'
Protein context (NP_000531.2, residues 3375-3395): EEEQLRLEAK[Ala3385=]EAQEGELLVR